The following is an entry in ClinVar:

NM_022772.4(EPS8L2):c.195C>T (p.Ser65=)

Gene: EPS8L2 (EPS8 signaling adaptor L2; plus strand). Cytogenetic location: 11p15.5.
Variant type: single nucleotide variant.
Coding change: c.195C>T on transcript NM_022772.4 (MANE Select); coding-DNA position 195, C replaced by T.
Protein change: p.Ser65=; no amino-acid change (serine 65 retained).
Molecular consequence: synonymous variant.
Genome position (GRCh38, 1-based): chr11:720,091, C>T. VCF-style: chr11-720091-C-T. GRCh37 (hg19) VCF-style: chr11-720091-C-T.
Other names: c.195C>T (NM_022772.3).
Identifiers: ClinVar variation 3771223 (VCV003771223.15).
Genomic context (GRCh38, chr11:720,091, plus strand): 5'-TGCCCAGCAGTGACCACCTGCCCACCCCCAGCACCTGGCCACATTCATCATGGACAAGAG[C>T]GAAGCCATCACGTCTGTGGACGACGCCATCCGGAAGCTGGTGCAGCTGAGCTCCAAGGAG-3'
Protein context (NP_073609.2, residues 55-75): QHLATFIMDK[Ser65=]EAITSVDDAI

ClinVar aggregate classification (germline): Likely benign. Review status: criteria provided, multiple submitters, no conflicts (2 of 4 stars). 3 submissions from 3 submitters: Likely benign (3). Last evaluated 2025-08-04.

Conditions:
EPS8L2-related disorder. Also called: EPS8L2-related condition.

gnomAD v4.1: 185 of 1,613,104 alleles (0.011%); highest among the groups gnomAD compares: South Asian, 0.12%; 1 homozygote.

Submissions (3):

PreventionGenetics, part of Exact Sciences
Classification: Likely benign for EPS8L2-related condition. Last evaluated: 2025-08-04. Review status: criteria provided, single submitter. Criteria: ACMG Guidelines, 2015. Collection method: clinical testing. Allele origin: germline.
Comment: This variant is classified as likely benign based on ACMG/AMP sequence variant interpretation guidelines (Richards et al. 2015 PMID: 25741868, with internal and published modifications).

CeGaT Center for Human Genetics Tuebingen
Classification: Likely benign. Last evaluated: 2025-02-01. Review status: criteria provided, single submitter. Criteria: CeGaT Center For Human Genetics Tuebingen Variant Classification Criteria Version 2. Collection method: clinical testing. Allele origin: germline. Affected: yes. Observed: 1 variant allele.
Comment: EPS8L2: BP4, BP7

Blueprint Genetics
Classification: Likely benign. Last evaluated: 2024-10-16. Review status: criteria provided, single submitter. Criteria: ACMG Guidelines, 2015. Collection method: clinical testing. Allele origin: germline.